The following is an entry in ClinVar:

ClinVar aggregate classification (germline): Uncertain significance (1 of 4 stars; one submission).

Conditions:
Hereditary cancer-predisposing syndrome. Also called: Neoplastic Syndromes, Hereditary; Tumor predisposition; Hereditary Cancer Syndrome; Hereditary neoplastic syndrome. Identifiers: Orphanet 140162, MedGen C0027672, MeSH D009386, MONDO:0015356.

gnomAD v4.1: 1 of 1,610,268 alleles (0.000062%); highest among the groups gnomAD compares: South Asian, 0.0011%; no homozygotes.

Submission:

Ambry Genetics
Classification: Uncertain significance for Hereditary cancer-predisposing syndrome. Last evaluated: 2026-02-25. Review status: criteria provided, single submitter. Criteria: Ambry Variant Classification Scheme 2023. Collection method: clinical testing. Allele origin: germline.
Comment: The p.R212P variant (also known as c.635G>C), located in coding exon 5 of the POT1 gene, results from a G to C substitution at nucleotide position 635. The arginine at codon 212 is replaced by proline, an amino acid with dissimilar properties. This amino acid position is conserved. In addition, this alteration is predicted to be tolerated by in silico analysis. Based on the available evidence, the clinical significance of this variant remains unclear.

NM_015450.3(POT1):c.635G>C (p.Arg212Pro)

Gene: POT1 (protection of telomeres 1; minus strand). Cytogenetic location: 7q31.33.
Variant type: single nucleotide variant.
Coding change: c.635G>C on transcript NM_015450.3 (MANE Select); coding-DNA position 635, G replaced by C.
Protein change: p.Arg212Pro; replaces arginine 212 with proline.
Molecular consequence: missense variant. On other transcripts: non-coding transcript variant (3).
Genome position (GRCh38, 1-based): chr7:124,859,024, C>G on the plus strand (G>C on the coding strand, the complement: POT1 is on the minus strand). VCF-style: chr7-124859024-C-G. GRCh37 (hg19) VCF-style: chr7-124499078-C-G.
Other names: c.242G>C, p.Arg81Pro (NM_001042594.2); short protein forms R212P, R81P.
Identifiers: ClinVar variation 4826610 (VCV004826610.1).
Genomic context (GRCh38, chr7:124,859,024, plus strand): 5'-GATCTTGCCACATGAACATGGTTATCGTAGACTAAAATGTCTATTGTCAGATTTTGTAGC[C>G]GATGGATGTGACTTAAATCACCTTCAAGAACAAGGTCTTGTATTAAGACTCTCCAAGATG-3'
Protein context (NP_056265.2, residues 202-222): VLEGDLSHIH[Arg212Pro]LQNLTIDILV